The following is an entry in ClinVar:

NM_000059.4(BRCA2):c.3599G>C (p.Cys1200Ser)

Gene: BRCA2 (BRCA2 DNA repair associated; plus strand). Cytogenetic location: 13q13.1.
Variant type: single nucleotide variant.
Coding change: c.3599G>C on transcript NM_000059.4 (MANE Select); coding-DNA position 3599, G replaced by C.
Protein change: p.Cys1200Ser; replaces cysteine 1200 with serine.
Molecular consequence: missense variant.
Genome position (GRCh38, 1-based): chr13:32,337,954, G>C. VCF-style: chr13-32337954-G-C. GRCh37 (hg19) VCF-style: chr13-32912091-G-C.
Other names: short protein forms C1200S.
Identifiers: ClinVar variation 971457 (VCV000971457.14), dbSNP rs1555283305, ClinGen allele CA387777491.
Genomic context (GRCh38, chr13:32,337,954, plus strand): 5'-AGCAATTTGAAGGTACAGTTGAAATTAAACGGAAGTTTGCTGGCCTGTTGAAAAATGACT[G>C]TAACAAAAGTGCTTCTGGTTATTTAACAGATGAAAATGAAGTGGGGTTTAGGGGCTTTTA-3'
Protein context (NP_000050.3, residues 1190-1210): RKFAGLLKND[Cys1200Ser]NKSASGYLTD

ClinVar aggregate classification (germline): Conflicting classifications of pathogenicity. Review status: criteria provided, conflicting classifications (1 of 4 stars). 3 submissions from 3 submitters: Uncertain significance (2); Likely benign (1). Last evaluated 2025-06-08.

Conditions:
Hereditary cancer-predisposing syndrome. Also called: Neoplastic Syndromes, Hereditary; Hereditary Cancer Syndrome; Tumor predisposition; Hereditary neoplastic syndrome. Identifiers: Orphanet 140162, MedGen C0027672, MeSH D009386, MONDO:0015356.
Hereditary breast ovarian cancer syndrome. Also called: BRCA1- and BRCA2-Associated Hereditary Breast and Ovarian Cancer; Hereditary breast and ovarian cancer; Hereditary breast and ovarian cancer syndrome; Hereditary breast and/or ovarian cancer syndrome; Hereditary breast and ovarian cancer syndrome (HBOC); Breast and ovarian cancer. Identifiers: Orphanet 145, MedGen C0677776, MeSH D061325, MONDO:0003582. Disease mechanism: loss of function.

Allele frequency attached by ClinVar (database versions not stated): gnomAD exomes below 0.00001.
gnomAD v4.1: 1 of 1,613,950 alleles (0.000062%); highest among the groups gnomAD compares: Non-Finnish European, 0.000085%; no homozygotes.

Submissions (3):

Ambry Genetics
Classification: Uncertain significance for Hereditary cancer-predisposing syndrome. Last evaluated: 2025-06-08. Review status: criteria provided, single submitter. Criteria: Ambry Variant Classification Scheme 2023. Collection method: clinical testing. Allele origin: germline.
Comment: The p.C1200S variant (also known as c.3599G>C), located in coding exon 10 of the BRCA2 gene, results from a G to C substitution at nucleotide position 3599. The cysteine at codon 1200 is replaced by serine, an amino acid with dissimilar properties. This amino acid position is not well conserved in available vertebrate species. In addition, this alteration is predicted to be tolerated by in silico analysis. Since supporting evidence is limited at this time, the clinical significance of this alteration remains unclear.

University of Washington Department of Laboratory Medicine, University of Washington
Classification: Likely benign for Hereditary cancer-predisposing syndrome. Last evaluated: 2023-03-23. Review status: criteria provided, single submitter. Criteria: Dines et al. (Genet Med. 2020). Collection method: curation. Allele origin: germline.
Comment: Missense variant in a coldspot region where missense variants are very unlikely to be pathogenic (PMID:31911673).

BRCA2 exon 11 coldspot. Reclassification based on statistical prior probability.

Labcorp Genetics (formerly Invitae), Labcorp
Classification: Uncertain significance for Hereditary breast ovarian cancer syndrome. Last evaluated: 2022-11-01. Review status: criteria provided, single submitter. Criteria: Invitae Variant Classification Sherloc (09022015). Collection method: clinical testing. Allele origin: germline.
Comment: This sequence change replaces cysteine, which is neutral and slightly polar, with serine, which is neutral and polar, at codon 1200 of the BRCA2 protein (p.Cys1200Ser). ClinVar contains an entry for this variant (Variation ID: 971457). This variant has not been reported in the literature in individuals affected with BRCA2-related conditions. This variant is not present in population databases (gnomAD no frequency). In summary, the available evidence is currently insufficient to determine the role of this variant in disease. Therefore, it has been classified as a Variant of Uncertain Significance. Advanced modeling of protein sequence and biophysical properties (such as structural, functional, and spatial information, amino acid conservation, physicochemical variation, residue mobility, and thermodynamic stability) performed at Invitae indicates that this missense variant is not expected to disrupt BRCA2 protein function.